The following is an entry in ClinVar:

NM_004453.4(ETFDH):c.835T>C (p.Trp279Arg)

Gene: ETFDH (electron transfer flavoprotein dehydrogenase; plus strand). Cytogenetic location: 4q32.1.
Variant type: single nucleotide variant.
Coding change: c.835T>C on transcript NM_004453.4 (MANE Select); coding-DNA position 835, T replaced by C.
Protein change: p.Trp279Arg; replaces tryptophan 279 with arginine.
Molecular consequence: missense variant.
Genome position (GRCh38, 1-based): chr4:158,697,562, T>C. VCF-style: chr4-158697562-T-C. GRCh37 (hg19) VCF-style: chr4-159618714-T-C.
Other names: c.694T>C, p.Trp232Arg (NM_001281737.2); c.652T>C, p.Trp218Arg (NM_001281738.1); short protein forms W279R, W232R, W218R.
Identifiers: ClinVar variation 968513 (VCV000968513.12), dbSNP rs754082348, ClinGen allele CA3122479.

ClinVar aggregate classification (germline): Conflicting classifications of pathogenicity. Review status: criteria provided, conflicting classifications (1 of 4 stars). 4 submissions from 4 submitters: Pathogenic (1); Likely pathogenic (1); Uncertain significance (2). Last evaluated 2024-05-14.

Conditions:
Glutaric acidemia type 2C.
Multiple acyl-CoA dehydrogenase deficiency (MADD). Also called: Glutaric aciduria, type 2; ETHYLMALONIC-ADIPICACIDURIA; GA II; Glutaric Acidemia type 2; Glutaric acidemia type II; GA 2. Identifiers: Orphanet 26791, MedGen C0268596, MONDO:0009282, OMIM 231680.

Allele frequency attached by ClinVar (database versions not stated): gnomAD exomes below 0.00001 and 0.00001; ExAC 0.00001; gnomAD 0.00001; TOPMed 0.00002.
gnomAD v4.1: 5 of 1,611,450 alleles (0.00031%); highest among the groups gnomAD compares: African/African-American, 0.0054%; no homozygotes.

Submissions (4):

Women's Health and Genetics/Laboratory Corporation of America, LabCorp
Classification: Uncertain significance. Last evaluated: 2024-05-14. Review status: criteria provided, single submitter. Criteria: LabCorp Variant Classification Summary - May 2015. Collection method: clinical testing. Allele origin: germline.
Comment: Variant summary: ETFDH c.835T>C (p.Trp279Arg) results in a non-conservative amino acid change located in the ETF-QO/FixC, ubiquinone-binding domain (IPR049398) of the encoded protein sequence. Five of five in-silico tools predict a damaging effect of the variant on protein function. The variant allele was found at a frequency of 1.2e-05 in 250044 control chromosomes. c.835T>C has been reported in the literature in individuals affected with Multiple Acyl-CoA Dehydrogenase Deficiency or Lipid storage myopathy as a compound heterozygous genotype or heterozygous genotype without reported second variant (e.g. Wen_2022, Xi_2014). These data indicate that the variant may be associated with disease. One publication reports experimental evidence evaluating an impact on protein function, showing increased mtDNA copy number compared to controls in a compound heterozygous patient, however, does not allow convincing conclusions about the variant effect (e.g. Wen_2013). The following publications have been ascertained in the context of this evaluation (PMID: 34718578, 23628458, 24357026). ClinVar contains an entry for this variant (Variation ID: 968513). Based on the evidence outlined above, the variant was classified as VUS-possibly pathogenic.

Natera, Inc.
Classification: Pathogenic for Glutaric acidemia type 2C. Last evaluated: 2024-05-01. Review status: criteria provided, single submitter. Criteria: Natera Variant Classification Schema (03/2026). Collection method: clinical testing. Allele origin: germline.
Comment: The c.835T>C variant in ETFDH is a missense variant predicted to cause substitution of tryptophan to arginine at amino acid 279. This variant is rare in the general population with a frequency below the threshold expected for the associated phenotype(s). This variant has been observed in one or more individuals affected with the associated recessive disease, as either homozygous or compound heterozygous with a second variant (PMID: 34718578, 24357026, 23628458). Computational prediction algorithms indicate this variant is likely to affect gene or protein function. Given the available evidence, this variant is classified as Pathogenic.

Baylor Genetics
Classification: Likely pathogenic for Multiple acyl-CoA dehydrogenase deficiency. Last evaluated: 2023-08-10. Review status: criteria provided, single submitter. Criteria: ACMG Guidelines, 2015. Collection method: clinical testing. Allele origin: unknown.

Labcorp Genetics (formerly Invitae), Labcorp
Classification: Uncertain significance for Multiple acyl-CoA dehydrogenase deficiency. Last evaluated: 2019-10-12. Review status: criteria provided, single submitter. Criteria: Invitae Variant Classification Sherloc (09022015). Collection method: clinical testing. Allele origin: germline.
Comment: This variant has been observed in an individual affected with multiple acyl-coenzyme A dehydrogenation deficiency (PMID: 23628458, Invitae). In summary, the available evidence is currently insufficient to determine the role of this variant in disease. Therefore, it has been classified as a Variant of Uncertain Significance. Algorithms developed to predict the effect of missense changes on protein structure and function (SIFT, PolyPhen-2, Align-GVGD) all suggest that this variant is likely to be disruptive, but these predictions have not been confirmed by published functional studies and their clinical significance is uncertain. This variant is present in population databases (rs754082348, ExAC 0.01%). This sequence change replaces tryptophan with arginine at codon 279 of the ETFDH protein (p.Trp279Arg). The tryptophan residue is highly conserved and there is a moderate physicochemical difference between tryptophan and arginine.

Literature cited by the submitters: PubMed 24357026 (cited by Women's Health and Genetics/Laboratory Corporation of America, LabCorp and Natera, Inc.); PubMed 23628458 (cited by 3 submitters); PubMed 34718578 (cited by Women's Health and Genetics/Laboratory Corporation of America, LabCorp and Natera, Inc.).